The following is an entry in ClinVar:

NM_001079802.2(FKTN):c.648-2A>G

Gene: FKTN (fukutin; plus strand). Cytogenetic location: 9q31.2.
Variant type: single nucleotide variant.
Coding change: c.648-2A>G on transcript NM_001079802.2 (MANE Select); the canonical splice acceptor site of the intron before coding-DNA position 648, A replaced by G.
Molecular consequence: splice acceptor variant.
Genome position (GRCh38, 1-based): chr9:105,607,817, A>G. VCF-style: chr9-105607817-A-G. GRCh37 (hg19) VCF-style: chr9-108370098-A-G.
Other names: c.252-2A>G (NM_001351501.2, NM_001351502.2, NM_001351499.2 and 1 more transcripts); c.648-2A>G (NM_001351498.2, NM_006731.2, NM_001351496.2 and 1 more transcripts); c.579-2A>G (NM_001351497.2).
Identifiers: ClinVar variation 2021537 (VCV002021537.4), dbSNP rs2539490128, ClinGen allele CA374332453.

ClinVar aggregate classification (germline): Likely pathogenic (1 of 4 stars; one submission).

Conditions:
Walker-Warburg congenital muscular dystrophy. Also called: Muscular dystrophy-dystroglycanopathy, type A; Walker-Warburg syndrome. Identifiers: Orphanet 899, MedGen C0265221, MONDO:0000171.

Submission:

Labcorp Genetics (formerly Invitae), Labcorp
Classification: Likely pathogenic for Walker-Warburg congenital muscular dystrophy. Last evaluated: 2025-12-01. Review status: criteria provided, single submitter. Criteria: Invitae Variant Classification Sherloc (09022015). Collection method: clinical testing. Allele origin: germline.
Comment: This sequence change affects an acceptor splice site in intron 6 of the FKTN gene. It is expected to disrupt RNA splicing. Variants that disrupt the donor or acceptor splice site typically lead to a loss of protein function (PMID: 16199547), and loss-of-function variants in FKTN are known to be pathogenic (PMID: 17044012, 17878207, 18752264). This variant is not present in population databases (gnomAD no frequency). This variant has not been reported in the literature in individuals affected with FKTN-related conditions. ClinVar contains an entry for this variant (Variation ID: 2021537). Algorithms developed to predict the effect of sequence changes on RNA splicing suggest that this variant may disrupt the consensus splice site. In summary, the currently available evidence indicates that the variant is pathogenic, but additional data are needed to prove that conclusively. Therefore, this variant has been classified as Likely Pathogenic.

Literature cited by the submitters: PubMed 16199547; PubMed 17044012; PubMed 17878207; PubMed 18752264.